The following is an entry in ClinVar:

ClinVar aggregate classification (germline): Uncertain significance (1 of 4 stars; one submission).

Allele frequency attached by ClinVar (database versions not stated): ExAC 0.00001; gnomAD exomes 0.00001 and 0.00004; gnomAD 0.00003; TOPMed 0.00005.
gnomAD v4.1: 23 of 1,613,990 alleles (0.0014%); highest among the groups gnomAD compares: Admixed American, 0.018%; no homozygotes.

Submission:

Labcorp Genetics (formerly Invitae), Labcorp
Classification: Uncertain significance. Last evaluated: 2025-10-11. Review status: criteria provided, single submitter. Criteria: Invitae Variant Classification Sherloc (09022015). Collection method: clinical testing. Allele origin: germline.
Comment: This sequence change replaces proline, which is neutral and non-polar, with serine, which is neutral and polar, at codon 969 of the ERBIN protein (p.Pro969Ser). This variant is present in population databases (rs746436552, gnomAD 0.02%). This variant has not been reported in the literature in individuals affected with ERBIN-related conditions. ClinVar contains an entry for this variant (Variation ID: 1481905). An algorithm developed to predict the effect of missense changes on protein structure and function outputs the following: PolyPhen-2: "Benign". The serine amino acid residue is found in multiple mammalian species, which suggests that this missense change does not adversely affect protein function. In summary, the available evidence is currently insufficient to determine the role of this variant in disease. Therefore, it has been classified as a Variant of Uncertain Significance.

NM_001253697.2(ERBIN):c.2905C>T (p.Pro969Ser)

Gene: ERBIN (erbb2 interacting protein; plus strand). Cytogenetic location: 5q12.3.
Variant type: single nucleotide variant.
Coding change: c.2905C>T on transcript NM_001253697.2 (MANE Select); coding-DNA position 2905, C replaced by T.
Protein change: p.Pro969Ser; replaces proline 969 with serine.
Molecular consequence: missense variant.
Genome position (GRCh38, 1-based): chr5:66,054,223, C>T. VCF-style: chr5-66054223-C-T. GRCh37 (hg19) VCF-style: chr5-65350051-C-T.
Other names: c.2905C>T, p.Pro969Ser (NM_001006600.3, NM_001253698.2, NM_001253699.2 and 1 more transcripts); c.2893C>T, p.Pro965Ser (NM_001253701.2); short protein forms P969S, P965S.
Identifiers: ClinVar variation 1481905 (VCV001481905.8), dbSNP rs746436552, ClinGen allele CA3286560.